The following is an entry in ClinVar:

ClinVar aggregate classification (germline): Pathogenic (1 of 4 stars; one submission).

Conditions:
Compton-North congenital myopathy (CMYO12). Identifiers: Orphanet 210163, MedGen C2675527, MONDO:0012929, OMIM 612540.

Submission:

Labcorp Genetics (formerly Invitae), Labcorp
Classification: Pathogenic for Compton-North congenital myopathy. Last evaluated: 2024-07-01. Review status: criteria provided, single submitter. Criteria: Invitae Variant Classification Sherloc (09022015). Collection method: clinical testing. Allele origin: germline.
Comment: This sequence change creates a premature translational stop signal (p.Glu838*) in the CNTN1 gene. It is expected to result in an absent or disrupted protein product. Loss-of-function variants in CNTN1 are known to be pathogenic (PMID: 19026398, 22242131). This variant is not present in population databases (gnomAD no frequency). This variant has not been reported in the literature in individuals affected with CNTN1-related conditions. For these reasons, this variant has been classified as Pathogenic.

Literature cited by the submitters: PubMed 19026398; PubMed 22242131.

NM_001843.4(CNTN1):c.2512G>T (p.Glu838Ter)

Gene: CNTN1 (contactin 1; plus strand). Cytogenetic location: 12q12.
Variant type: single nucleotide variant.
Coding change: c.2512G>T on transcript NM_001843.4 (MANE Select); coding-DNA position 2512, G replaced by T.
Protein change: p.Glu838Ter; replaces glutamic acid 838 with a stop codon.
Molecular consequence: nonsense.
Genome position (GRCh38, 1-based): chr12:41,020,429, G>T. VCF-style: chr12-41020429-G-T. GRCh37 (hg19) VCF-style: chr12-41414231-G-T.
Other names: c.2479G>T, p.Glu827Ter (NM_175038.2); short protein forms E827*, E838*.
Identifiers: ClinVar variation 3716597 (VCV003716597.2).